The following is an entry in ClinVar:

NM_012470.4(TNPO3):c.64C>G (p.Pro22Ala)

Genes: TNPO3 (transportin 3; minus strand), LOC129999289 (ATAC-STARR-seq lymphoblastoid active region 26616; plus strand). Cytogenetic location: 7q32.1.
Variant type: single nucleotide variant.
Coding change: c.64C>G on transcript NM_012470.4 (MANE Select); coding-DNA position 64, C replaced by G.
Protein change: p.Pro22Ala; replaces proline 22 with alanine.
Molecular consequence: missense variant. On other transcripts: non-coding transcript variant (18).
Genome position (GRCh38, 1-based): chr7:129,054,707, G>C on the plus strand (C>G on the coding strand, the complement: TNPO3 is on the minus strand). VCF-style: chr7-129054707-G-C. GRCh37 (hg19) VCF-style: chr7-128694761-G-C.
Other names: c.64C>G, p.Pro22Ala (NM_001191028.3, NM_001382216.1, NM_001382217.1 and 6 more transcripts); short protein forms P22A.
Identifiers: ClinVar variation 958651 (VCV000958651.10), dbSNP rs1809272125, ClinGen allele CA369229541.

ClinVar aggregate classification (germline): Uncertain significance (1 of 4 stars; one submission).

Conditions:
Autosomal dominant limb-girdle muscular dystrophy type 1F (LGMDD2). Also called: Limb-girdle muscular dystrophy, type 1F; MUSCULAR DYSTROPHY, LIMB-GIRDLE, AUTOSOMAL DOMINANT 2. Identifiers: Orphanet 55595, MedGen C1842062, MONDO:0012034, OMIM 608423.

Submission:

Labcorp Genetics (formerly Invitae), Labcorp
Classification: Uncertain significance for Autosomal dominant limb-girdle muscular dystrophy type 1F. Last evaluated: 2025-06-04. Review status: criteria provided, single submitter. Criteria: Invitae Variant Classification Sherloc (09022015). Collection method: clinical testing. Allele origin: germline.
Comment: This sequence change replaces proline, which is neutral and non-polar, with alanine, which is neutral and non-polar, at codon 22 of the TNPO3 protein (p.Pro22Ala). This variant is not present in population databases (gnomAD no frequency). This variant has not been reported in the literature in individuals affected with TNPO3-related conditions. This missense change has been observed in at least one individual who was not affected with TNPO3-related conditions (internal data). ClinVar contains an entry for this variant (Variation ID: 958651). An algorithm developed to predict the effect of missense changes on protein structure and function (PolyPhen-2) suggests that this variant is likely to be disruptive. In summary, the available evidence is currently insufficient to determine the role of this variant in disease. Therefore, it has been classified as a Variant of Uncertain Significance.